The following is an entry in ClinVar:

NM_152703.5(SAMD9L):c.4405T>C (p.Ser1469Pro)

Gene: SAMD9L (sterile alpha motif domain containing 9 like; minus strand). Cytogenetic location: 7q21.2.
Variant type: single nucleotide variant.
Coding change: c.4405T>C on transcript NM_152703.5 (MANE Select); coding-DNA position 4405, T replaced by C.
Protein change: p.Ser1469Pro; replaces serine 1469 with proline.
Molecular consequence: missense variant.
Genome position (GRCh38, 1-based): chr7:93,131,567, A>G on the plus strand (T>C on the coding strand, the complement: SAMD9L is on the minus strand). VCF-style: chr7-93131567-A-G. GRCh37 (hg19) VCF-style: chr7-92760880-A-G.
Other names: c.4405T>C, p.Ser1469Pro (NM_001303496.3, NM_001303497.3, NM_001303498.3 and 5 more transcripts); short protein forms S1469P.
Identifiers: ClinVar variation 3437145 (VCV003437145.2).

ClinVar aggregate classification (germline): Uncertain significance. Review status: criteria provided, multiple submitters, no conflicts (2 of 4 stars). 2 submissions from 2 submitters: Uncertain significance (2). Last evaluated 2025-06-09.

Conditions:
Inborn genetic diseases. Identifiers: MedGen C0950123, MeSH D030342.

Submissions (2):

Labcorp Genetics (formerly Invitae), Labcorp
Classification: Uncertain significance. Last evaluated: 2025-06-09. Review status: criteria provided, single submitter. Criteria: Invitae Variant Classification Sherloc (09022015). Collection method: clinical testing. Allele origin: germline.
Comment: This sequence change replaces serine, which is neutral and polar, with proline, which is neutral and non-polar, at codon 1469 of the SAMD9L protein (p.Ser1469Pro). This variant is not present in population databases (gnomAD no frequency). This variant has not been reported in the literature in individuals affected with SAMD9L-related conditions. ClinVar contains an entry for this variant (Variation ID: 3437145). Invitae Evidence Modeling of protein sequence and biophysical properties (such as structural, functional, and spatial information, amino acid conservation, physicochemical variation, residue mobility, and thermodynamic stability) indicates that this missense variant is not expected to disrupt SAMD9L protein function with a negative predictive value of 80%. In summary, the available evidence is currently insufficient to determine the role of this variant in disease. Therefore, it has been classified as a Variant of Uncertain Significance.

Ambry Genetics
Classification: Uncertain significance for Inborn genetic diseases. Last evaluated: 2024-11-18. Review status: criteria provided, single submitter. Criteria: Ambry Variant Classification Scheme 2023. Collection method: clinical testing. Allele origin: germline.
Comment: The p.S1469P variant (also known as c.4405T>C), located in coding exon 1 of the SAMD9L gene, results from a T to C substitution at nucleotide position 4405. The serine at codon 1469 is replaced by proline, an amino acid with similar properties. This amino acid position is conserved. In addition, this alteration is predicted to be tolerated by in silico analysis. Based on the available evidence, the clinical significance of this variant remains unclear.